The following is an entry in ClinVar:

ClinVar aggregate classification (germline): Likely benign (1 of 4 stars; one submission).

Allele frequency attached by ClinVar (database versions not stated): gnomAD exomes 0.00038 and 0.00094; ExAC 0.00214; ESP Exome Variant Server 0.00307; gnomAD 0.00436; TOPMed 0.00450; 1000 Genomes Project 0.00659; 1000 Genomes Project 30x 0.00671.
gnomAD v4.1: 1,218 of 1,551,726 alleles (0.078%); highest among the groups gnomAD compares: African/African-American, 1.5%; 8 homozygotes.

Submission:

GeneDx
Classification: Likely benign. Last evaluated: 2017-02-10. Review status: criteria provided, single submitter. Criteria: GeneDx Variant Classification (06012015). Collection method: clinical testing. Allele origin: germline. Affected: yes.
Comment: This variant is considered likely benign or benign based on one or more of the following criteria: it is a conservative change, it occurs at a poorly conserved position in the protein, it is predicted to be benign by multiple in silico algorithms, and/or has population frequency not consistent with disease.

NM_016156.6(MTMR2):c.-35G>C

Gene: MTMR2 (myotubularin related protein 2; minus strand). Cytogenetic location: 11q21.
Variant type: single nucleotide variant.
Coding change: c.-35G>C on transcript NM_016156.6 (MANE Select); 35 bases upstream of the start codon, G replaced by C.
Molecular consequence: 5 prime UTR variant.
Genome position (GRCh38, 1-based): chr11:95,923,989, C>G on the plus strand (G>C on the coding strand, the complement: MTMR2 is on the minus strand). VCF-style: chr11-95923989-C-G. GRCh37 (hg19) VCF-style: chr11-95657153-C-G.
Other names: c.-518G>C (NM_001243571.2); c.-445G>C (NM_201278.3); c.-322G>C (NM_201281.3).
Identifiers: ClinVar variation 378177 (VCV000378177.1), dbSNP rs115278720, ClinGen allele CA6240512.